The following is an entry in ClinVar:

ClinVar aggregate classification (germline): Benign/Likely benign. Review status: criteria provided, multiple submitters, no conflicts (2 of 4 stars). 11 submissions from 11 submitters: Benign (6); Likely benign (2). 3 of the submissions do not count toward it. Last evaluated 2026-09-01.

Conditions:
Sinoatrial node dysfunction and deafness (SANDD). Identifiers: Orphanet 324321, MedGen C3554018, MONDO:0013960, OMIM 614896.
Aldosterone-producing adenoma with seizures and neurological abnormalities. Also called: Primary aldosteronism, seizures, and neurologic abnormalities. Identifiers: Orphanet 369929, MedGen C3809609, MONDO:0014200, OMIM 615474.
CACNA1D-related disorder.

Allele frequency attached by ClinVar (database versions not stated): 1000 Genomes Project 30x 0.00094; 1000 Genomes Project 0.00120; ESP Exome Variant Server 0.00331; TOPMed 0.00345; ExAC 0.00481; gnomAD 0.00517 and 0.00534; gnomAD exomes 0.00519 and 0.00605.
gnomAD v4.1: 9,584 of 1,613,132 alleles (0.59%); highest among the groups gnomAD compares: Non-Finnish European, 0.62%; 46 homozygotes.

Submissions (11):

CeGaT Center for Human Genetics Tuebingen
Classification: Likely benign. Last evaluated: 2026-09-01. Review status: criteria provided, single submitter. Criteria: CeGaT Center For Human Genetics Tuebingen Variant Classification Criteria Version 2. Collection method: clinical testing. Allele origin: germline. Affected: yes. Observed: 13 variant alleles.
Comment: CACNA1D: BS2

Labcorp Genetics (formerly Invitae), Labcorp
Classification: Benign. Last evaluated: 2026-02-04. Review status: criteria provided, single submitter. Criteria: Invitae Variant Classification Sherloc (09022015). Collection method: clinical testing. Allele origin: germline.

Mayo Clinic Laboratories, Mayo Clinic
Classification: Benign. Last evaluated: 2023-11-24. Review status: criteria provided, single submitter. Criteria: ACMG Guidelines, 2015. Collection method: clinical testing. Allele origin: germline. Observed: 6 variant alleles.
Comment: BS1, BS2

KCCC/NGS Laboratory, Kuwait Cancer Control Center
Classification: Benign for Aldosterone-producing adenoma with seizures and neurological abnormalities. Last evaluated: 2023-07-07. Review status: criteria provided, single submitter. Criteria: ACMG Guidelines, 2015. Collection method: clinical testing. Allele origin: germline. Affected: yes.

Fulgent Genetics
Classification: Likely benign for Sinoatrial node dysfunction and deafness; Aldosterone-producing adenoma with seizures and neurological abnormalities. Last evaluated: 2021-08-04. Review status: criteria provided, single submitter. Criteria: ACMG Guidelines, 2015. Collection method: clinical testing. Allele origin: unknown.

GeneDx
Classification: Benign. Last evaluated: 2019-08-21. Review status: criteria provided, single submitter. Criteria: GeneDx Variant Classification Process June 2021. Collection method: clinical testing. Allele origin: germline. Affected: yes.
Comment: This variant is associated with the following publications: (PMID: 26842699)

Athena Diagnostics
Classification: Benign. Last evaluated: 2019-07-09. Review status: criteria provided, single submitter. Criteria: Athena Diagnostics Criteria. Collection method: clinical testing. Allele origin: germline.

Laboratory for Molecular Medicine, Mass General Brigham Personalized Medicine
Classification: Benign. Last evaluated: 2014-11-24. Review status: criteria provided, single submitter. Criteria: LMM Criteria. Collection method: clinical testing. Allele origin: germline. Observed: 6 variant alleles.
Comment: Pro1318Ser in exon 32 of CACNA1D: This variant is not expected to have clinical significance because it has been identified in 0.5% (39/8600) of European Americ an chromosomes from a broad population by the NHLBI Exome Sequencing Project (dbSNP rs72556360).

PreventionGenetics, part of Exact Sciences
Classification: Benign for CACNA1D-related condition. Last evaluated: 2020-03-17. Review status: no assertion criteria provided. Collection method: clinical testing. Allele origin: germline. Not counted in ClinVar's aggregate classification.
Comment: This variant is classified as benign based on ACMG/AMP sequence variant interpretation guidelines (Richards et al. 2015 PMID: 25741868, with internal and published modifications).

Clinical Genetics DNA and cytogenetics Diagnostics Lab, Erasmus MC, Erasmus Medical Center
Classification: Likely benign. Review status: no assertion criteria provided. Collection method: clinical testing. Allele origin: germline. Affected: yes. Study: VKGL Data-share Consensus. Not counted in ClinVar's aggregate classification.

Clinical Genetics, Academic Medical Center
Classification: Benign. Review status: no assertion criteria provided. Collection method: clinical testing. Allele origin: germline. Affected: yes. Study: VKGL Data-share Consensus. Not counted in ClinVar's aggregate classification.

NM_001128840.3(CACNA1D):c.3892C>T (p.Pro1298Ser)

Gene: CACNA1D (calcium voltage-gated channel subunit alpha1 D; plus strand). Cytogenetic location: 3p21.1.
Variant type: single nucleotide variant.
Coding change: c.3892C>T on transcript NM_001128840.3 (MANE Select); coding-DNA position 3892, C replaced by T.
Protein change: p.Pro1298Ser; replaces proline 1298 with serine.
Molecular consequence: missense variant. On other transcripts: intron variant (1).
Genome position (GRCh38, 1-based): chr3:53,769,994, C>T. VCF-style: chr3-53769994-C-T. GRCh37 (hg19) VCF-style: chr3-53804021-C-T.
Other names: c.3952C>T, p.Pro1318Ser (NM_000720.4); c.3871-430C>T (NM_001128839.3); short protein forms P1318S, P1298S.
Identifiers: ClinVar variation 226474 (VCV000226474.44), dbSNP rs72556360, ClinGen allele CA2454733.